The following is an entry in ClinVar:

NM_001374736.1(DST):c.13237-6T>C

Gene: DST (dystonin; minus strand). Cytogenetic location: 6p12.1.
Variant type: single nucleotide variant.
Coding change: c.13237-6T>C on transcript NM_001374736.1 (MANE Select); 6 bases into the intron before coding-DNA position 13237, T replaced by C.
Molecular consequence: intron variant.
Genome position (GRCh38, 1-based): chr6:56,573,070, A>G on the plus strand (T>C on the coding strand, the complement: DST is on the minus strand). VCF-style: chr6-56573070-A-G. GRCh37 (hg19) VCF-style: chr6-56437868-A-G.
Other names: c.6880-6T>C (NM_001144769.5); c.13237-6T>C (NM_001374722.1); c.13264-6T>C (NM_001374734.1); c.6466-6T>C (NM_001144770.2); c.6346-6T>C (NM_001374730.1, NM_001386100.1, NM_183380.4); c.12604-6T>C (NM_001374729.1); c.5368-6T>C (NM_015548.5).
Identifiers: ClinVar variation 3753791 (VCV003753791.2).

ClinVar aggregate classification (germline): Uncertain significance (1 of 4 stars; one submission).

Conditions:
Epidermolysis bullosa simplex 3, localized or generalized intermediate, with BP230 deficiency (EBS3). Also called: Epidermolysis bullosa simplex due to BP230 deficiency; Epidermolysis bullosa simplex, autosomal recessive 2. Identifiers: Orphanet 412181, MedGen C3809470, MONDO:0014180, OMIM 615425.
Hereditary sensory and autonomic neuropathy type 6. Also called: HSAN VI; Neuropathy, hereditary sensory and autonomic, type VI. Identifiers: Orphanet 314381, MedGen C3539003, MONDO:0013839, OMIM 614653.

gnomAD v4.1: 4 of 1,523,392 alleles (0.00026%); highest among the groups gnomAD compares: Non-Finnish European, 0.00026%; no homozygotes.

Submission:

Labcorp Genetics (formerly Invitae), Labcorp
Classification: Uncertain significance for Epidermolysis bullosa simplex 3, localized or generalized intermediate, with BP230 deficiency; Hereditary sensory and autonomic neuropathy type 6. Last evaluated: 2024-08-06. Review status: criteria provided, single submitter. Criteria: Invitae Variant Classification Sherloc (09022015). Collection method: clinical testing. Allele origin: germline.
Comment: The DST gene has multiple clinically relevant transcripts. This variant occurs in alternate transcript NM_015548.4, and corresponds to NM_001723.5:c.*42447T>C in the primary transcript. This sequence change falls in intron Intron 32 of the DST gene. It does not directly change the encoded amino acid sequence of the DST protein. This variant is not present in population databases (gnomAD no frequency). This variant has not been reported in the literature in individuals affected with DST-related conditions. Experimental studies and prediction algorithms are not available or were not evaluated, and the effect of this variant on mRNA splicing is currently unknown. In summary, the available evidence is currently insufficient to determine the role of this variant in disease. Therefore, it has been classified as a Variant of Uncertain Significance.